The following is an entry in ClinVar:

ClinVar aggregate classification (germline): Uncertain significance (1 of 4 stars; one submission).

Conditions:
Hereditary nonpolyposis colorectal neoplasms. Identifiers: MedGen C0009405, MeSH D003123.

Submission:

Labcorp Genetics (formerly Invitae), Labcorp
Classification: Uncertain significance for Hereditary nonpolyposis colorectal neoplasms. Last evaluated: 2019-06-21. Review status: criteria provided, single submitter. Criteria: Invitae Variant Classification Sherloc (09022015). Collection method: clinical testing. Allele origin: germline.
Comment: In summary, the available evidence is currently insufficient to determine the role of this variant in disease. Therefore, it has been classified as a Variant of Uncertain Significance. Experimental studies and prediction algorithms are not available or were not evaluated for this variant, and the functional significance of the affected amino acid(s) is currently unknown. This variant has not been reported in the literature in individuals with MSH6-related conditions. This variant is not present in population databases (ExAC no frequency). This variant, c.3977_3979dup, results in the insertion of 1 amino acid(s) to the MSH6 protein (p.Met1326dup), but otherwise preserves the integrity of the reading frame.

NM_000179.3(MSH6):c.3977_3979dup (p.Met1326dup)

Gene: MSH6 (mutS homolog 6; plus strand). Cytogenetic location: 2p16.3.
Variant type: Duplication.
Coding change: c.3977_3979dup on transcript NM_000179.3 (MANE Select); coding-DNA positions 3977 to 3979, 3 bases duplicated (TGA; older notation c.3977_3979dupTGA).
Protein change: p.Met1326dup; duplicates methionine 1326.
Molecular consequence: inframe insertion.
Genome position (GRCh38, 1-based): chr2:47,806,627-47,806,629, TGA duplicated; duplicating any 3 consecutive bases within chr2:47,806,625-47,806,629 gives the same sequence; the c. name uses the placement nearest the transcript's 3' end. VCF-style (leftmost placement, unchanged base first): chr2-47806624-A-AGAT. GRCh37 (hg19) VCF-style: chr2-48033763-A-AGAT.
Other names: c.3587_3589dup, p.Met1196dup (NM_001281492.2); c.3071_3073dup, p.Met1024dup (NM_001281493.2, NM_001281494.2).
Identifiers: ClinVar variation 944464 (VCV000944464.10), dbSNP rs1670146869, ClinGen allele CA1139656986.